The following is an entry in ClinVar:

NM_000352.6(ABCC8):c.4411G>C (p.Asp1471His)

Gene: ABCC8 (ATP binding cassette subfamily C member 8; minus strand). Cytogenetic location: 11p15.1.
Variant type: single nucleotide variant.
Coding change: c.4411G>C on transcript NM_000352.6 (MANE Select); coding-DNA position 4411, G replaced by C.
Protein change: p.Asp1471His; replaces aspartic acid 1471 with histidine.
Molecular consequence: missense variant. On other transcripts: non-coding transcript variant (1).
Genome position (GRCh38, 1-based): chr11:17,395,172, C>G on the plus strand (G>C on the coding strand, the complement: ABCC8 is on the minus strand). VCF-style: chr11-17395172-C-G. GRCh37 (hg19) VCF-style: chr11-17416719-C-G.
Other names: c.4414G>C, p.Asp1472His (NM_001287174.3); c.4477G>C, p.Asp1493His (NM_001351295.2); c.4411G>C, p.Asp1471His (NM_001351296.2); c.4408G>C, p.Asp1470His (NM_001351297.2); short protein forms D1470H, D1472H, D1471H, D1493H.
Identifiers: ClinVar variation 1452717 (VCV001452717.6), dbSNP rs72559716, ClinGen allele CA379785073.

ClinVar aggregate classification (germline): Pathogenic (1 of 4 stars; one submission).

gnomAD v4.1: 2 of 1,569,684 alleles (0.00013%); highest among the groups gnomAD compares: Non-Finnish European, 0.000087%; no homozygotes.

Submission:

Labcorp Genetics (formerly Invitae), Labcorp
Classification: Pathogenic. Last evaluated: 2021-07-04. Review status: criteria provided, single submitter. Criteria: Invitae Variant Classification Sherloc (09022015). Collection method: clinical testing. Allele origin: germline.
Comment: For these reasons, this variant has been classified as Pathogenic. This sequence change replaces aspartic acid with histidine at codon 1471 of the ABCC8 protein (p.Asp1471His). The aspartic acid residue is highly conserved and there is a moderate physicochemical difference between aspartic acid and histidine. This variant also falls at the last nucleotide of exon 36, which is part of the consensus splice site for this exon. This variant is not present in population databases (ExAC no frequency). This variant has been observed in individuals with congenital hyperinsulinism (PMID: 15562009, 23275527). This variant is also known as p.Asp1472His. Algorithms developed to predict the effect of missense changes on protein structure and function are either unavailable or do not agree on the potential impact of this missense change (SIFT: "Deleterious"; PolyPhen-2: "Benign"; Align-GVGD: "Class C0"). Experimental studies have shown that this variant affects ABCC8 protein function (PMID: 17575084). Nucleotide substitutions within the consensus splice site are a relatively common cause of aberrant splicing (PMID: 17576681, 9536098). Algorithms developed to predict the effect of sequence changes on RNA splicing suggest that this variant may disrupt the consensus splice site. This variant disrupts the p.Asp1471 amino acid residue in ABCC8. Other variant(s) that disrupt this residue have been determined to be pathogenic (PMID: 17466004, 18988933, 30352420, 30354297). This suggests that this residue is clinically significant, and that variants that disrupt this residue are likely to be disease-causing.

Literature cited by the submitters: PubMed 15562009; PubMed 23275527; PubMed 17575084; PubMed 17576681; PubMed 9536098; PubMed 17466004; PubMed 18988933; PubMed 30352420; PubMed 30354297.